The following is an entry in ClinVar:

NM_198253.3(TERT):c.2450C>G (p.Ala817Gly)

Gene: TERT (telomerase reverse transcriptase; minus strand). Cytogenetic location: 5p15.33.
Variant type: single nucleotide variant.
Coding change: c.2450C>G on transcript NM_198253.3 (MANE Select); coding-DNA position 2450, C replaced by G.
Protein change: p.Ala817Gly; replaces alanine 817 with glycine.
Molecular consequence: missense variant.
Genome position (GRCh38, 1-based): chr5:1,271,137, G>C on the plus strand (C>G on the coding strand, the complement: TERT is on the minus strand). VCF-style: chr5-1271137-G-C. GRCh37 (hg19) VCF-style: chr5-1271252-G-C.
Other names: c.2450C>G, p.Ala817Gly (NM_001193376.3, NM_003219.1); short protein forms A817G.
Identifiers: ClinVar variation 1971999 (VCV001971999.5), dbSNP rs2478200019, ClinGen allele CA359075686.

ClinVar aggregate classification (germline): Uncertain significance (1 of 4 stars; one submission).

Conditions:
Dyskeratosis congenita, autosomal dominant 2. Identifiers: MedGen C3151443, MONDO:0013521, OMIM 613989.
Idiopathic Pulmonary Fibrosis. Also called: Idiopathic fibrosing alveolitis, chronic form; idiopathic fibrosing alveolitis. Identifiers: Orphanet 2032, MedGen C1800706, MeSH D054990, MONDO:0800504.

Submission:

Labcorp Genetics (formerly Invitae), Labcorp
Classification: Uncertain significance for Dyskeratosis congenita, autosomal dominant 2; Idiopathic Pulmonary Fibrosis. Last evaluated: 2022-02-17. Review status: criteria provided, single submitter. Criteria: Invitae Variant Classification Sherloc (09022015). Collection method: clinical testing. Allele origin: germline.
Comment: This sequence change replaces alanine, which is neutral and non-polar, with glycine, which is neutral and non-polar, at codon 817 of the TERT protein (p.Ala817Gly). In summary, the available evidence is currently insufficient to determine the role of this variant in disease. Therefore, it has been classified as a Variant of Uncertain Significance. Algorithms developed to predict the effect of sequence changes on RNA splicing suggest that this variant is not likely to affect RNA splicing. Advanced modeling of protein sequence and biophysical properties (such as structural, functional, and spatial information, amino acid conservation, physicochemical variation, residue mobility, and thermodynamic stability) performed at Invitae indicates that this missense variant is not expected to disrupt TERT protein function. This variant has not been reported in the literature in individuals affected with TERT-related conditions. This variant is not present in population databases (gnomAD no frequency).